The following is an entry in ClinVar:

ClinVar aggregate classification (germline): Pathogenic (1 of 4 stars; one submission).

Conditions:
Wilms tumor 1 (WT1). Also called: Wilms tumor, somatic. Identifiers: Orphanet 654, MedGen CN033288, MONDO:0008679, OMIM 194070.
Drash syndrome (DDS). Also called: NEPHROPATHY, WILMS TUMOR, AND GENITAL ANOMALIES; WILMS TUMOR AND PSEUDO- OR TRUE HERMAPHRODITISM. Identifiers: Orphanet 220, MedGen C0950121, MONDO:0008682, OMIM 194080.
11p partial monosomy syndrome (WAGR). Also called: WAGR Spectrum Disorder; CHROMOSOME 11p13 DELETION SYNDROME; WAGR syndrome; WAGR Complex. Identifiers: Orphanet 893, MedGen C0206115, MONDO:0008681, OMIM 194072.
Frasier syndrome. Identifiers: Orphanet 347, MedGen C0950122, MeSH D052159, MONDO:0007635, OMIM 136680.

Submission:

Labcorp Genetics (formerly Invitae), Labcorp
Classification: Pathogenic for Wilms tumor 1; Drash syndrome; 11p partial monosomy syndrome; Frasier syndrome. Last evaluated: 2024-06-21. Review status: criteria provided, single submitter. Criteria: Invitae Variant Classification Sherloc (09022015). Collection method: clinical testing. Allele origin: germline.
Comment: This sequence change replaces glutamine, which is neutral and polar, with lysine, which is basic and polar, at codon 437 of the WT1 protein (p.Gln437Lys). This variant is not present in population databases (gnomAD no frequency). This missense change has been observed in individual(s) with WT1-related disorders (PMID: 23729537, 31328266, 32604935). In at least one individual the variant was observed to be de novo. This variant is also known as c.1324C>A, p.Q442K, Q369K, and p.Q225K. An algorithm developed to predict the effect of missense changes on protein structure and function (PolyPhen-2) suggests that this variant is likely to be disruptive. Experimental studies have shown that this missense change affects WT1 function (PMID: 27596598). This variant disrupts the p.Gln437 amino acid residue in WT1. Other variant(s) that disrupt this residue have been observed in individuals with WT1-related conditions (PMID: 10799199, 21508141), which suggests that this may be a clinically significant amino acid residue. For these reasons, this variant has been classified as Pathogenic.

Literature cited by the submitters: PubMed 23729537; PubMed 31328266; PubMed 32604935; PubMed 27596598; PubMed 10799199; PubMed 21508141.

NM_024426.6(WT1):c.1324C>A (p.Gln442Lys)

Gene: WT1 (WT1 transcription factor; minus strand). Cytogenetic location: 11p13.
Variant type: single nucleotide variant.
Coding change: c.1324C>A on transcript NM_024426.6 (MANE Select); coding-DNA position 1324, C replaced by A.
Protein change: p.Gln442Lys; replaces glutamine 442 with lysine.
Molecular consequence: missense variant. On other transcripts: non-coding transcript variant (2), intron variant (1).
Genome position (GRCh38, 1-based): chr11:32,392,696, G>T on the plus strand (C>A on the coding strand, the complement: WT1 is on the minus strand). VCF-style: chr11-32392696-G-T. GRCh37 (hg19) VCF-style: chr11-32414242-G-T.
Other names: c.1273C>A, p.Gln425Lys (NM_000378.6, NM_001407045.1, NM_001407049.1); c.673C>A, p.Gln225Lys (NM_001198551.2); c.622C>A, p.Gln208Lys (NM_001198552.2); c.136C>A, p.Gln46Lys (NM_001367854.1); c.1318C>A, p.Gln440Lys (NM_001407044.1); c.1324C>A, p.Gln442Lys (NM_001407046.1, NM_024424.5); c.1201C>A, p.Gln401Lys (NM_001407047.1); c.1150C>A, p.Gln384Lys (NM_001407050.1); and 4 more; short protein forms Q188K, Q208K, Q225K, Q352K, Q369K, Q384K, Q401K, Q425K.
Identifiers: ClinVar variation 3759154 (VCV003759154.2).